The following is an entry in ClinVar:

ClinVar aggregate classification (germline): Uncertain significance (1 of 4 stars; one submission).

gnomAD v4.1: 1 of 1,146,657 alleles (0.000087%); highest among the groups gnomAD compares: Non-Finnish European, 0.00012%; no homozygotes.

Submission:

GeneDx
Classification: Uncertain significance. Last evaluated: 2023-10-23. Review status: criteria provided, single submitter. Criteria: GeneDx Variant Classification Process June 2021. Collection method: clinical testing. Allele origin: germline. Affected: yes.
Comment: Reported using an alternate transcript of the gene; Not observed at significant frequency in large population cohorts (gnomAD); Has not been previously published as pathogenic or benign to our knowledge; In silico analysis supports that this missense variant does not alter protein structure/function

NM_002578.5(PAK3):c.277-1206A>G

Gene: PAK3 (p21 (RAC1) activated kinase 3; plus strand). Cytogenetic location: Xq23.
Variant type: single nucleotide variant.
Coding change: c.277-1206A>G on transcript NM_002578.5 (MANE Select); 1206 bases into the intron before coding-DNA position 277, A replaced by G.
Molecular consequence: intron variant. On other transcripts: missense variant (6).
Genome position (GRCh38, 1-based): chrX:111,146,531, A>G. VCF-style: chrX-111146531-A-G. GRCh37 (hg19) VCF-style: chrX-110389759-A-G.
Other names: c.350A>G, p.Tyr117Cys (NM_001128168.3); c.287A>G, p.Tyr96Cys (NM_001128173.3, NM_001324327.2, NM_001324328.2 and 2 more transcripts); c.277-1206A>G (NM_001128166.3, NM_001324325.2, NM_001324330.2 and 5 more transcripts); c.340-1206A>G (NM_001128172.2); short protein forms Y117C, Y96C.
Identifiers: ClinVar variation 3366240 (VCV003366240.1).